The following is an entry in ClinVar:

ClinVar aggregate classification (germline): Uncertain significance (1 of 4 stars; one submission).

Conditions:
Cardiovascular phenotype. Identifiers: MedGen CN230736.

Allele frequency attached by ClinVar (database versions not stated): gnomAD exomes below 0.00001.

Submission:

Ambry Genetics
Classification: Uncertain significance for Cardiovascular phenotype. Last evaluated: 2023-07-27. Review status: criteria provided, single submitter. Criteria: Ambry Variant Classification Scheme 2023. Collection method: clinical testing. Allele origin: germline.
Comment: The p.T128A variant (also known as c.382A>G), located in coding exon 2 of the TBX1 gene, results from an A to G substitution at nucleotide position 382. The threonine at codon 128 is replaced by alanine, an amino acid with similar properties. This amino acid position is conserved. In addition, this alteration is predicted to be deleterious by in silico analysis. Since supporting evidence is limited at this time, the clinical significance of this alteration remains unclear.

NM_001379200.1(TBX1):c.409A>G (p.Thr137Ala)

Gene: TBX1 (T-box transcription factor 1; plus strand). Cytogenetic location: 22q11.21.
Variant type: single nucleotide variant.
Coding change: c.409A>G on transcript NM_001379200.1 (MANE Select); coding-DNA position 409, A replaced by G.
Protein change: p.Thr137Ala; replaces threonine 137 with alanine.
Molecular consequence: missense variant.
Genome position (GRCh38, 1-based): chr22:19,761,252, A>G. VCF-style: chr22-19761252-A-G. GRCh37 (hg19) VCF-style: chr22-19748775-A-G.
Other names: c.382A>G, p.Thr128Ala (NM_005992.1, NM_080646.2, NM_080647.1); short protein forms T137A, T128A.
Identifiers: ClinVar variation 2625218 (VCV002625218.2), dbSNP rs2517843076, ClinGen allele CA410681804.
Genomic context (GRCh38, chr22:19,761,252, plus strand): 5'-GCCGGTGTGAGCGTGCAGCTAGAGATGAAGGCGCTGTGGGACGAGTTCAACCAGCTGGGC[A>G]CCGAGATGATCGTCACCAAGGCCGGCAGGTCAGGGCGCCCCTCCCCACGCCGCGACCCTC-3'
Protein context (NP_001366129.1, residues 127-147): ALWDEFNQLG[Thr137Ala]EMIVTKAGRR